The following is an entry in ClinVar:

ClinVar aggregate classification (germline): Uncertain significance. Review status: criteria provided, multiple submitters, no conflicts (2 of 4 stars). 2 submissions from 2 submitters: Uncertain significance (2). Last evaluated 2025-10-17.

Conditions:
Inborn genetic diseases. Identifiers: MedGen C0950123, MeSH D030342.

Allele frequency attached by ClinVar (database versions not stated): ExAC 0.00002; gnomAD exomes 0.00002; gnomAD 0.00007; TOPMed 0.00014.
gnomAD v4.1: 45 of 1,612,730 alleles (0.0028%); highest among the groups gnomAD compares: African/African-American, 0.015%; no homozygotes.

Submissions (2):

Ambry Genetics
Classification: Uncertain significance for Inborn genetic diseases. Last evaluated: 2025-10-17. Review status: criteria provided, single submitter. Criteria: Ambry Variant Classification Scheme 2023. Collection method: clinical testing. Allele origin: germline.

Labcorp Genetics (formerly Invitae), Labcorp
Classification: Uncertain significance. Last evaluated: 2022-09-02. Review status: criteria provided, single submitter. Criteria: Invitae Variant Classification Sherloc (09022015). Collection method: clinical testing. Allele origin: germline.
Comment: In summary, the available evidence is currently insufficient to determine the role of this variant in disease. Therefore, it has been classified as a Variant of Uncertain Significance. Algorithms developed to predict the effect of missense changes on protein structure and function are either unavailable or do not agree on the potential impact of this missense change (SIFT: "Deleterious"; PolyPhen-2: "Benign"; Align-GVGD: "Class C0"). This variant has not been reported in the literature in individuals affected with LAMA5-related conditions. This sequence change replaces arginine, which is basic and polar, with tryptophan, which is neutral and slightly polar, at codon 2870 of the LAMA5 protein (p.Arg2870Trp). This variant is present in population databases (rs760209781, gnomAD 0.004%).

NM_005560.6(LAMA5):c.8608C>T (p.Arg2870Trp)

Gene: LAMA5 (laminin subunit alpha 5; minus strand). Cytogenetic location: 20q13.33.
Variant type: single nucleotide variant.
Coding change: c.8608C>T on transcript NM_005560.6 (MANE Select); coding-DNA position 8608, C replaced by T.
Protein change: p.Arg2870Trp; replaces arginine 2870 with tryptophan.
Molecular consequence: missense variant.
Genome position (GRCh38, 1-based): chr20:62,313,699, G>A on the plus strand (C>T on the coding strand, the complement: LAMA5 is on the minus strand). VCF-style: chr20-62313699-G-A. GRCh37 (hg19) VCF-style: chr20-60888755-G-A.
Other names: c.8608C>T (NM_005560.3); short protein forms R2870W.
Identifiers: ClinVar variation 2197035 (VCV002197035.7), dbSNP rs760209781, ClinGen allele CA9940637.